The following is an entry in ClinVar:

NM_014956.5(CEP164):c.3875C>T (p.Pro1292Leu)

Gene: CEP164 (centrosomal protein 164; plus strand). Cytogenetic location: 11q23.3.
Variant type: single nucleotide variant.
Coding change: c.3875C>T on transcript NM_014956.5 (MANE Select); coding-DNA position 3875, C replaced by T.
Protein change: p.Pro1292Leu; replaces proline 1292 with leucine.
Molecular consequence: missense variant.
Genome position (GRCh38, 1-based): chr11:117,409,744, C>T. VCF-style: chr11-117409744-C-T. GRCh37 (hg19) VCF-style: chr11-117280460-C-T.
Other names: c.3860C>T, p.Pro1287Leu (NM_001271933.2); c.3875C>T (NM_014956.4); short protein forms P1287L, P1292L.
Identifiers: ClinVar variation 2143600 (VCV002143600.5), dbSNP rs745639279, ClinGen allele CA6295606.
Genomic context (GRCh38, chr11:117,409,744, plus strand): 5'-GCAGCCAGCTGAGCAGTGTCCTCAGCATCCTGGACAGCCTCAACCCTCAGTCGCCGCCGC[C>T]GCTCCTCGCCTCCATGCCAGCCCAGCTCCCTCCCCGGGACCCTAAGAGCACCCCCACCCC-3'
Protein context (NP_055771.4, residues 1282-1302): LDSLNPQSPP[Pro1292Leu]LLASMPAQLP

ClinVar aggregate classification (germline): Uncertain significance. Review status: criteria provided, multiple submitters, no conflicts (2 of 4 stars). 4 submissions from 4 submitters: Uncertain significance (3). 1 of the submissions does not count toward it. Last evaluated 2024-09-08.

Conditions:
Inborn genetic diseases. Identifiers: MedGen C0950123, MeSH D030342.
Nephronophthisis 15 (NPHP15). Identifiers: Orphanet 3156, MedGen C3541853, MONDO:0013917, OMIM 614845.
CEP164-related disorder. Also called: CEP164-related condition.

Allele frequency attached by ClinVar (database versions not stated): ExAC 0.00001; gnomAD 0.00001; gnomAD exomes 0.00001; TOPMed 0.00001.
gnomAD v4.1: 14 of 1,613,970 alleles (0.00087%); highest among the groups gnomAD compares: East Asian, 0.0045%; no homozygotes.

Submissions (4):

Ambry Genetics
Classification: Uncertain significance for Inborn genetic diseases. Last evaluated: 2024-09-08. Review status: criteria provided, single submitter. Criteria: Ambry Variant Classification Scheme 2023. Collection method: clinical testing. Allele origin: germline.

Labcorp Genetics (formerly Invitae), Labcorp
Classification: Uncertain significance for Nephronophthisis 15. Last evaluated: 2022-02-28. Review status: criteria provided, single submitter. Criteria: Invitae Variant Classification Sherloc (09022015). Collection method: clinical testing. Allele origin: germline.
Comment: In summary, the available evidence is currently insufficient to determine the role of this variant in disease. Therefore, it has been classified as a Variant of Uncertain Significance. Algorithms developed to predict the effect of missense changes on protein structure and function are either unavailable or do not agree on the potential impact of this missense change (SIFT: "Deleterious"; PolyPhen-2: "Benign"; Align-GVGD: "Class C0"). This variant has not been reported in the literature in individuals affected with CEP164-related conditions. This variant is present in population databases (rs745639279, gnomAD 0.006%). This sequence change replaces proline, which is neutral and non-polar, with leucine, which is neutral and non-polar, at codon 1292 of the CEP164 protein (p.Pro1292Leu).

Blueprint Genetics
Classification: Uncertain significance. Last evaluated: 2021-09-13. Review status: criteria provided, single submitter. Criteria: ACMG Guidelines, 2015. Collection method: clinical testing. Allele origin: germline.

PreventionGenetics, part of Exact Sciences
Classification: Uncertain significance for CEP164-related condition. Last evaluated: 2024-07-25. Review status: no assertion criteria provided. Collection method: clinical testing. Allele origin: germline. Not counted in ClinVar's aggregate classification.
Comment: The CEP164 c.3875C>T variant is predicted to result in the amino acid substitution p.Pro1292Leu. To our knowledge, this variant has not been reported in the literature. This variant is reported in 0.0054% of alleles in individuals of East Asian descent in gnomAD. At this time, the clinical significance of this variant is uncertain due to the absence of conclusive functional and genetic evidence.